The following is an entry in ClinVar:

ClinVar aggregate classification (germline): Uncertain significance. Review status: criteria provided, multiple submitters, no conflicts (2 of 4 stars). 4 submissions from 4 submitters: Uncertain significance (4). Last evaluated 2026-02-10.

Conditions:
Developmental and epileptic encephalopathy, 18 (DEE18). Also called: Early infantile epileptic encephalopathy 18. Identifiers: Orphanet 369894, MedGen C3809624, MONDO:0014201, OMIM 615476.
Inborn genetic diseases. Identifiers: MedGen C0950123, MeSH D030342.

Allele frequency attached by ClinVar (database versions not stated): TOPMed 0.00002; gnomAD exomes 0.00009 and 0.00004; ExAC 0.00005; ESP Exome Variant Server 0.00008; gnomAD 0.00003.
gnomAD v4.1: 147 of 1,614,080 alleles (0.0091%); highest among the groups gnomAD compares: Non-Finnish European, 0.011%; no homozygotes.

Submissions (4):

GeneDx
Classification: Uncertain significance. Last evaluated: 2026-02-10. Review status: criteria provided, single submitter. Criteria: GeneDx Variant Classification Process June 2021. Collection method: clinical testing. Allele origin: germline.
Comment: Not observed at significant frequency in large population cohorts (gnomAD); In silico analysis suggests that this missense variant does not alter protein structure/function; Has not been previously published as pathogenic or benign to our knowledge

Ambry Genetics
Classification: Uncertain significance for Inborn genetic diseases. Last evaluated: 2023-12-06. Review status: criteria provided, single submitter. Criteria: Ambry Variant Classification Scheme 2023. Collection method: clinical testing. Allele origin: germline.

Genome-Nilou Lab
Classification: Uncertain significance for Developmental and epileptic encephalopathy, 18. Last evaluated: 2023-04-11. Review status: criteria provided, single submitter. Criteria: ACMG Guidelines, 2015. Collection method: clinical testing. Allele origin: germline. Affected: no.

Labcorp Genetics (formerly Invitae), Labcorp
Classification: Uncertain significance. Last evaluated: 2022-07-06. Review status: criteria provided, single submitter. Criteria: Invitae Variant Classification Sherloc (09022015). Collection method: clinical testing. Allele origin: germline.
Comment: This sequence change replaces proline, which is neutral and non-polar, with serine, which is neutral and polar, at codon 1352 of the SZT2 protein (p.Pro1352Ser). This variant is present in population databases (rs377512674, gnomAD 0.007%). This variant has not been reported in the literature in individuals affected with SZT2-related conditions. ClinVar contains an entry for this variant (Variation ID: 411930). Algorithms developed to predict the effect of missense changes on protein structure and function (SIFT, PolyPhen-2, Align-GVGD) all suggest that this variant is likely to be tolerated. In summary, the available evidence is currently insufficient to determine the role of this variant in disease. Therefore, it has been classified as a Variant of Uncertain Significance.

NM_001365999.1(SZT2):c.4225C>T (p.Pro1409Ser)

Gene: SZT2 (SZT2 subunit of KICSTOR complex; plus strand). Cytogenetic location: 1p34.2.
Variant type: single nucleotide variant.
Coding change: c.4225C>T on transcript NM_001365999.1 (MANE Select); coding-DNA position 4225, C replaced by T.
Protein change: p.Pro1409Ser; replaces proline 1409 with serine.
Molecular consequence: missense variant.
Genome position (GRCh38, 1-based): chr1:43,429,761, C>T. VCF-style: chr1-43429761-C-T. GRCh37 (hg19) VCF-style: chr1-43895432-C-T.
Other names: c.4054C>T, p.Pro1352Ser (NM_015284.4); short protein forms P1352S, P1409S.
Identifiers: ClinVar variation 411930 (VCV000411930.8), dbSNP rs377512674, ClinGen allele CA809222.